The following is an entry in ClinVar:

ClinVar aggregate classification (germline): Likely benign (0 of 4 stars; one submission).

Conditions:
NPC1L1-related disorder. Also called: NPC1L1-related condition.

Allele frequency attached by ClinVar (database versions not stated): ExAC 0.00021; 1000 Genomes Project 30x 0.00031; 1000 Genomes Project 0.00040; gnomAD 0.00055; ESP Exome Variant Server 0.00100.
gnomAD v4.1: 165 of 1,613,998 alleles (0.01%); highest among the groups gnomAD compares: African/African-American, 0.21%; 1 homozygote.

Submission:

PreventionGenetics, part of Exact Sciences
Classification: Likely benign for NPC1L1-related condition. Last evaluated: 2019-07-16. Review status: no assertion criteria provided. Collection method: clinical testing. Allele origin: germline.
Comment: This variant is classified as likely benign based on ACMG/AMP sequence variant interpretation guidelines (Richards et al. 2015 PMID: 25741868, with internal and published modifications).

NM_001101648.2(NPC1L1):c.1722C>T (p.Phe574=)

Gene: NPC1L1 (NPC1 like intracellular cholesterol transporter 1; minus strand). Cytogenetic location: 7p13.
Variant type: single nucleotide variant.
Coding change: c.1722C>T on transcript NM_001101648.2 (MANE Select); coding-DNA position 1722, C replaced by T.
Protein change: p.Phe574=; no amino-acid change (phenylalanine 574 retained).
Molecular consequence: synonymous variant.
Genome position (GRCh38, 1-based): chr7:44,536,388, G>A on the plus strand (C>T on the coding strand, the complement: NPC1L1 is on the minus strand). VCF-style: chr7-44536388-G-A. GRCh37 (hg19) VCF-style: chr7-44575987-G-A.
Other names: c.1722C>T, p.Phe574= (NM_001300967.2, NM_013389.3).
Identifiers: ClinVar variation 3049659 (VCV003049659.2), dbSNP rs143082401, ClinGen allele CA4242104.